The following continues an entry in ClinVar:

NM_000051.4(ATM):c.7475T>G (p.Leu2492Arg)

ClinVar aggregate classification (germline): Conflicting classifications of pathogenicity. Likely pathogenic (1); Uncertain significance (21); Benign (1); Likely benign (5).

Submissions 11 to 24 of 32:

GeneDx
Classification: Uncertain significance. Last evaluated: 2025-01-21. Review status: criteria provided, single submitter. Criteria: GeneDx Variant Classification Process June 2021. Collection method: clinical testing. Allele origin: germline. Affected: yes.
Comment: Observed in individuals with breast, prostate, colon, and other cancers (PMID: 17344846, 26689913, 28779002, 28652578, 28135145, 30306255, 29522266, 30441849, 29684080, 32606146, 35347810, 35886069, 35127508, 36029002); Present at similar frequency among breast cancer cases and controls in a large case-control study (PMID: 33471991); In silico analysis supports that this missense variant has a deleterious effect on protein structure/function; This variant is associated with the following publications: (PMID: 35347810, 35127508, 35886069, 22529920, 17344846, 26689913, 25980754, 26787654, 22173549, 28873162, 28135145, 28652578, 26206375, 29522266, 28779002, 29684080, 30306255, 31159747, 31422574, 20305132, 30441849, 31920950, 32606146, 35047863, 36011273, 34284872, 34718612, 34262154, 35980532, 36029002, 37351993, 23532176, 33471991, Di Marino2024[abstract], Kostovska2024[abstract])

Quest Diagnostics Nichols Institute San Juan Capistrano
Classification: Uncertain significance. Last evaluated: 2025-01-21. Review status: criteria provided, single submitter. Criteria: Quest Diagnostics criteria. Collection method: clinical testing. Allele origin: unknown.
Comment: The ATM c.7475T>G (p.Leu2492Arg) variant has been reported in the published literature in a reportedly unaffected individual and in individuals affected with breast cancer (PMID: 30306255 (2018), 28779002 (2017), 20305132 (2010)), ovarian cancer (PMID: 30441849 (2018)), lung adenocarcinoma (PMID: 17344846 (2007)), chronic lymphocytic leukemia (PMID: 28652578 (2017)), glioblastoma (PMID: 26689913 (2015)), prostate cancer (PMID: 32606146 (2020)), and Lynch syndrome-associated cancer and/or polyps (PMID: 28135145 (2017), 25980754 (2015)). In a large scale breast cancer association study, this variant has been observed in breast cancer cases and reportedly unaffected individuals (PMID: 33471991 (2021), see also LOVD). The frequency of this variant in the general population (Genome Aggregation Database) is uninformative in the assessment of its pathogenicity. Analysis of this variant using bioinformatics tools for the prediction of the effect of amino acid changes on protein structure and function yielded predictions that this variant is damaging. Based on the available information, we are unable to determine the clinical significance of this variant.

Blueprint Genetics
Classification: Uncertain significance. Last evaluated: 2024-09-17. Review status: criteria provided, single submitter. Criteria: ACMG Guidelines, 2015. Collection method: clinical testing. Allele origin: germline.

Ambry Genetics
Classification: Likely benign for Hereditary cancer-predisposing syndrome. Last evaluated: 2024-07-20. Review status: criteria provided, single submitter. Criteria: Ambry Variant Classification Scheme 2023. Collection method: clinical testing. Allele origin: germline.

Department of Pathology and Laboratory Medicine, Sinai Health System
Classification: Uncertain significance for Familial cancer of breast. Last evaluated: 2024-04-26. Review status: criteria provided, single submitter. Criteria: ACMG Guidelines, 2015. Collection method: clinical testing. Allele origin: germline. Affected: yes.

Molecular Pathology, Peter Maccallum Cancer Centre
Classification: Uncertain significance for Ataxia-telangiectasia syndrome. Last evaluated: 2024-03-12. Review status: criteria provided, single submitter. Criteria: ACMG Guidelines, 2015. Collection method: clinical testing. Allele origin: germline. Inheritance: Autosomal recessive inheritance.

St. Jude Molecular Pathology, St. Jude Children's Research Hospital
Classification: Uncertain significance for Familial cancer of breast. Last evaluated: 2022-09-27. Review status: criteria provided, single submitter. Criteria: St. Jude Assertion Criteria 2020. Collection method: clinical testing. Allele origin: germline.
Comment: The ATM c.7475T>G (p.Leu2492Arg) missense change has a maximum subpopulation frequency of 0.024% in gnomAD v2.1.1. The in silico tool REVEL predicts a deleterious effect on protein function, but to our knowledge this prediction has not been confirmed by functional studies. This variant has been reported in individuals with many cancer types including breast, colorectal, prostate, pancreatic, and chronic lymphocytic leukemia (PMID: 28135145, 28652578, 30306255, 32606146, 35047863). This variant has been reported in 5 individuals in a database of women older than 70 years of age who have never had cancer (FLOSSIES database). To our knowledge, this variant has not been reported in individuals with ataxia telangiectasia. In summary, the evidence currently available is insufficient to determine the clinical significance of this variant. It has therefore been classified as of uncertain significance.

Color Diagnostics, LLC DBA Color Health
Classification: Likely benign for Hereditary cancer-predisposing syndrome. Last evaluated: 2022-05-16. Review status: criteria provided, single submitter. Criteria: ACMG Guidelines, 2015. Collection method: clinical testing. Allele origin: germline.

Laboratory of Medical Genetics Unit, Bambino Gesù Children's Hospital
Classification: Uncertain significance for Astroblastoma, MN1-altered. Last evaluated: 2022-03-30. Review status: criteria provided, single submitter. Criteria: ACMG Guidelines, 2015. Collection method: research. Allele origin: maternal. Affected: yes. Observed: 1 heterozygote.

Sema4
Classification: Uncertain significance for Hereditary cancer-predisposing syndrome. Last evaluated: 2021-11-07. Review status: criteria provided, single submitter. Criteria: Sema4 Curation Guidelines. Collection method: curation. Allele origin: germline.
Comment: The ATM c.7475T>G (p.L2492R) variant has been reported in at least 8 individuals with a personal or family history of breast and/or ovarian cancer as well as 1 individual with prostate cancer and 1 individual with colorectal cancer (PMID: 32606146, 28135145, 31159747, 25980754, 3030625, 20305132). This variant was also detected in 2/516 chronic lymphocytic leukemia cases and 2/8920 controls from the same study (PMID: 28652578). It was observed in 31/129020 chromosomes in the Non-Finnish European population, according to the Genome Aggregation Database (PMID: 32461654). This variant has been reported in ClinVar (Variation ID 127446). In silico tools suggest the impact of the variant on protein function is deleterious, though these predictions have not been confirmed by functional studies. The overall evidence is insufficient to meet ACMG/AMP criteria for classifying it as benign or pathogenic. In summary, the clinical significance of this variant is currently uncertain.

Institute for Clinical Genetics, University Hospital TU Dresden, University Hospital TU Dresden
Classification: Uncertain significance. Last evaluated: 2021-11-03. Review status: criteria provided, single submitter. Criteria: ACMG Guidelines, 2015. Collection method: clinical testing. Allele origin: germline.

Genetic Services Laboratory, University of Chicago
Classification: Uncertain significance. Last evaluated: 2021-09-21. Review status: criteria provided, single submitter. Criteria: ACMG Guidelines, 2015. Collection method: clinical testing. Allele origin: germline. Affected: no.
Comment: DNA sequence analysis of the ATM gene demonstrated a sequence change, c.7475T>G, in exon 50 that results in an amino acid change, p.Leu2492Arg. This sequence change has been described in the gnomAD database with a frequency of 0.024% in the European (Non-Finnish) subpopulation (dbSNP rs56399857). The p.Leu2492Arg change affects a moderately conserved amino acid residue located in a domain of the ATM protein that is known to be functional. The p.Leu2492Arg substitution appears to be deleterious using several in-silico pathogenicity prediction tools (SIFT, PolyPhen2, Align GVGD, REVEL). This sequence change has been previously identified in individuals who have undergone hereditary cancer genetic testing (PMID: 31159747, 25980754) and in an individual with a history of unilateral breast cancer (PMID: 20305132) and in an individual with a history colon cancer (28135145). Due to insufficient evidences and the lack of functional studies, the clinical significance of the p.Leu2492Arg change remains unknown at this time.

Clinical Cancer Genetics and Family Consultants, Athens Medical Center
Classification: Likely pathogenic for Familial cancer of breast. Last evaluated: 2019-06-27. Review status: criteria provided, single submitter. Criteria: ACMG Guidelines, 2015. Collection method: clinical testing. Allele origin: inherited. Inheritance: Autosomal dominant inheritance. Affected: yes. Observed: 2 variant alleles, 2 heterozygotes.
Comment: This variant is denoted ATM c.7475T>G at the cDNA level, p.Leu2492Arg at the protein level, and is a non-conservative amino acid change located in the PIK-related kinase, FAT domain (Stracker 2013) of the encoded protein sequence. Five of five in silico tools predict a damaging effect of this variant on protein function. This is a rare variant (ExAC 0.00006), and has been reported in various cancers (Lu 2015, Greenman 2007, Berstein 2010). For these reasons, this variant may be causative of disease in this family and we classify it as probably pathogenic.

ARUP Laboratories, Molecular Genetics and Genomics, ARUP Laboratories
Classification: Uncertain significance for Ataxia-telangiectasia syndrome. Last evaluated: 2019-01-25. Review status: criteria provided, single submitter. Criteria: ARUP Molecular Germline Variant Investigation Process. Collection method: clinical testing. Allele origin: germline.
Comment: The ATM c.7475T>G; p.Leu2492Arg variant (rs56399857) is reported in the literature in individuals with colorectal cancer (Yurgelun 2017), chronic lymphocytic leukemia (Tiao 2017), and glioblastoma multiforme (Lu 2015). This variant is reported with uncertain significance by multiple laboratories in ClinVar (Variation ID: 127446). It is found in the general population with an overall allele frequency of 0.01% (32/282684 alleles) in the Genome Aggregation Database. The leucine at codon 2492 is highly conserved and computational analyses (SIFT, PolyPhen-2) predict that this variant is deleterious. Due to limited information, the clinical significance of this variant is uncertain at this time. REFERENCES Lu C et al. Patterns and functional implications of rare germline variants across 12 cancer types. Nat Commun. 2015 Dec 22;6:10086. Tiao G et al. Rare germline variants in ATM are associated with chronic lymphocytic leukemia. Leukemia. 2017 Oct;31(10):2244-2247. Yurgelun MB et al. Cancer Susceptibility Gene Mutations in Individuals With Colorectal Cancer. J Clin Oncol. 2017 Apr 1;35(10):1086-1095.